The following is an entry in ClinVar:

ClinVar aggregate classification (germline): Uncertain significance (1 of 4 stars; one submission).

Submission:

GeneDx
Classification: Uncertain significance. Last evaluated: 2024-07-30. Review status: criteria provided, single submitter. Criteria: GeneDx Variant Classification Process June 2021. Collection method: clinical testing. Allele origin: germline. Affected: yes.
Comment: Not observed at significant frequency in large population cohorts (gnomAD); In silico analysis supports that this missense variant has a deleterious effect on protein structure/function; Has not been previously published as pathogenic or benign to our knowledge

NM_001020658.2(PUM1):c.2570C>T (p.Ser857Phe)

Gene: PUM1 (pumilio RNA binding family member 1; minus strand). Cytogenetic location: 1p35.2.
Variant type: single nucleotide variant.
Coding change: c.2570C>T on transcript NM_001020658.2 (MANE Select); coding-DNA position 2570, C replaced by T.
Protein change: p.Ser857Phe; replaces serine 857 with phenylalanine.
Molecular consequence: missense variant.
Genome position (GRCh38, 1-based): chr1:30,953,735, G>A on the plus strand (C>T on the coding strand, the complement: PUM1 is on the minus strand). VCF-style: chr1-30953735-G-A. GRCh37 (hg19) VCF-style: chr1-31426582-G-A.
Other names: c.2570C>T, p.Ser857Phe (NM_014676.3); short protein forms S857F.
Identifiers: ClinVar variation 3602506 (VCV003602506.1).